The following is an entry in ClinVar:

NM_001127208.3(TET2):c.1306C>T (p.His436Tyr)

Genes: TET2 (tet methylcytosine dioxygenase 2; plus strand), TET2-AS1 (TET2 antisense RNA 1; minus strand). Cytogenetic location: 4q24.
Variant type: single nucleotide variant.
Coding change: c.1306C>T on transcript NM_001127208.3 (MANE Select); coding-DNA position 1306, C replaced by T.
Protein change: p.His436Tyr; replaces histidine 436 with tyrosine.
Molecular consequence: missense variant.
Genome position (GRCh38, 1-based): chr4:105,235,248, C>T. VCF-style: chr4-105235248-C-T. GRCh37 (hg19) VCF-style: chr4-106156405-C-T.
Other names: c.1306C>T, p.His436Tyr (NM_017628.4); short protein forms H436Y.
Identifiers: ClinVar variation 3967711 (VCV003967711.1).

ClinVar aggregate classification (germline): Uncertain significance (1 of 4 stars; one submission).

Submission:

Ambry Genetics
Classification: Uncertain significance. Last evaluated: 2025-06-12. Review status: criteria provided, single submitter. Criteria: Ambry Variant Classification Scheme 2023. Collection method: clinical testing. Allele origin: germline.
Comment: The p.H436Y variant (also known as c.1306C>T), located in coding exon 1 of the TET2 gene, results from a C to T substitution at nucleotide position 1306. The histidine at codon 436 is replaced by tyrosine, an amino acid with similar properties. This amino acid position is conserved. In addition, this alteration is predicted to be tolerated by in silico analysis. Based on the available evidence, the clinical significance of this variant remains unclear.